The following is an entry in ClinVar:

ClinVar aggregate classification (germline): Uncertain significance (1 of 4 stars; one submission).

Submission:

GeneDx
Classification: Uncertain significance. Last evaluated: 2026-04-22. Review status: criteria provided, single submitter. Criteria: GeneDx Variant Classification Process June 2021. Collection method: clinical testing. Allele origin: germline.
Comment: Not observed at significant frequency in large population cohorts (gnomAD); In silico analysis suggests that this missense variant does not alter protein structure/function; Has not been previously published as pathogenic or benign to our knowledge

NM_003660.4(PPFIA3):c.2193G>C (p.Leu731Phe)

Gene: PPFIA3 (PPFI scaffold protein A3; plus strand). Cytogenetic location: 19q13.33.
Variant type: single nucleotide variant.
Coding change: c.2193G>C on transcript NM_003660.4 (MANE Select); coding-DNA position 2193, G replaced by C.
Protein change: p.Leu731Phe; replaces leucine 731 with phenylalanine.
Molecular consequence: missense variant. On other transcripts: non-coding transcript variant (1).
Genome position (GRCh38, 1-based): chr19:49,139,784, G>C. VCF-style: chr19-49139784-G-C. GRCh37 (hg19) VCF-style: chr19-49643041-G-C.
Other names: short protein forms L731F.
Identifiers: ClinVar variation 5037579 (VCV005037579.1).
Genomic context (GRCh38, chr19:49,139,784, plus strand): 5'-AGGAGACACCCCACCACCCACTCCCCGCTCTGCCCGTCTTGAGAGAATGACCCAGGCCTT[G>C]GCACTGCAGGCGGGGTCCCTGGAAGATGGGGGACCCCCACGGGGAAGGTCAGCAGGGACA-3'
Protein context (NP_003651.1, residues 721-741): SARLERMTQA[Leu731Phe]ALQAGSLEDG